The following is an entry in ClinVar:

ClinVar aggregate classification (germline): Uncertain significance. Review status: criteria provided, multiple submitters, no conflicts (2 of 4 stars). 2 submissions from 2 submitters: Uncertain significance (2). Last evaluated 2023-05-30.

Conditions:
Muscular dystrophy-dystroglycanopathy (congenital with brain and eye anomalies), type a, 8 (MDDGA8). Also called: WALKER-WARBURG SYNDROME OR MUSCLE-EYE-BRAIN DISEASE, GTDC2-RELATED. Identifiers: Orphanet 899, MedGen C3553813, MONDO:0013904, OMIM 614830.
Inborn genetic diseases. Identifiers: MedGen C0950123, MeSH D030342.

gnomAD v4.1: 4 of 1,614,182 alleles (0.00025%); highest among the groups gnomAD compares: Non-Finnish European, 0.00034%; no homozygotes.

Submissions (2):

Ambry Genetics
Classification: Uncertain significance for Inborn genetic diseases. Last evaluated: 2023-05-30. Review status: criteria provided, single submitter. Criteria: Ambry Variant Classification Scheme 2023. Collection method: clinical testing. Allele origin: germline.

Labcorp Genetics (formerly Invitae), Labcorp
Classification: Uncertain significance for Muscular dystrophy-dystroglycanopathy (congenital with brain and eye anomalies), type a, 8. Last evaluated: 2022-08-15. Review status: criteria provided, single submitter. Criteria: Invitae Variant Classification Sherloc (09022015). Collection method: clinical testing. Allele origin: germline.
Comment: This sequence change replaces asparagine, which is neutral and polar, with lysine, which is basic and polar, at codon 276 of the POMGNT2 protein (p.Asn276Lys). This variant is not present in population databases (gnomAD no frequency). This variant has not been reported in the literature in individuals affected with POMGNT2-related conditions. ClinVar contains an entry for this variant (Variation ID: 1350588). Algorithms developed to predict the effect of missense changes on protein structure and function (SIFT, PolyPhen-2, Align-GVGD) all suggest that this variant is likely to be disruptive. In summary, the available evidence is currently insufficient to determine the role of this variant in disease. Therefore, it has been classified as a Variant of Uncertain Significance.

NM_032806.6(POMGNT2):c.828C>A (p.Asn276Lys)

Gene: POMGNT2 (protein O-linked mannose N-acetylglucosaminyltransferase 2 (beta 1,4-); minus strand). Cytogenetic location: 3p22.1.
Variant type: single nucleotide variant.
Coding change: c.828C>A on transcript NM_032806.6 (MANE Select); coding-DNA position 828, C replaced by A.
Protein change: p.Asn276Lys; replaces asparagine 276 with lysine.
Molecular consequence: missense variant.
Genome position (GRCh38, 1-based): chr3:43,080,604, G>T on the plus strand (C>A on the coding strand, the complement: POMGNT2 is on the minus strand). VCF-style: chr3-43080604-G-T. GRCh37 (hg19) VCF-style: chr3-43122096-G-T.
Other names: c.828C>A (NM_032806.4); short protein forms N276K.
Identifiers: ClinVar variation 1350588 (VCV001350588.4), dbSNP rs150404794, ClinGen allele CA352302419.